The following is an entry in ClinVar:

ClinVar aggregate classification (germline): Uncertain significance. Review status: criteria provided, multiple submitters, no conflicts (2 of 4 stars). 2 submissions from 2 submitters: Uncertain significance (2). Last evaluated 2024-01-18.

Conditions:
Shprintzen-Goldberg syndrome (SGS). Also called: SHPRINTZEN-GOLDBERG CRANIOSYNOSTOSIS SYNDROME; CRANIOSYNOSTOSIS WITH ARACHNODACTYLY AND ABDOMINAL HERNIAS; Marfanoid disorder with craniosynostosis type 1; Marfanoid craniosynostosis syndrome; Shprintzen-Goldberg marfanoid syndrome. Identifiers: Orphanet 2462, MedGen C1321551, MONDO:0008426, OMIM 182212.
Familial thoracic aortic aneurysm and aortic dissection (TAAD). Also called: Thoracic aortic aneurysms and dissections. Identifiers: Orphanet 91387, MedGen C4707243, MONDO:0019625.

Allele frequency attached by ClinVar (database versions not stated): gnomAD exomes 0.00001; gnomAD 0.00001; TOPMed 0.00001.
gnomAD v4.1: 11 of 1,404,430 alleles (0.00078%); highest among the groups gnomAD compares: Non-Finnish European, 0.00093%; no homozygotes.

Submissions (2):

Labcorp Genetics (formerly Invitae), Labcorp
Classification: Uncertain significance for Shprintzen-Goldberg syndrome. Last evaluated: 2024-01-18. Review status: criteria provided, single submitter. Criteria: Invitae Variant Classification Sherloc (09022015). Collection method: clinical testing. Allele origin: germline.
Comment: This sequence change replaces glutamic acid, which is acidic and polar, with valine, which is neutral and non-polar, at codon 50 of the SKI protein (p.Glu50Val). The frequency data for this variant in the population databases is considered unreliable, as metrics indicate poor data quality at this position in the gnomAD database. This variant has not been reported in the literature in individuals affected with SKI-related conditions. ClinVar contains an entry for this variant (Variation ID: 950393). Advanced modeling of protein sequence and biophysical properties (such as structural, functional, and spatial information, amino acid conservation, physicochemical variation, residue mobility, and thermodynamic stability) has been performed at Invitae for this missense variant, however the output from this modeling did not meet the statistical confidence thresholds required to predict the impact of this variant on SKI protein function. Algorithms developed to predict the effect of sequence changes on RNA splicing suggest that this variant may create or strengthen a splice site. In summary, the available evidence is currently insufficient to determine the role of this variant in disease. Therefore, it has been classified as a Variant of Uncertain Significance.

Ambry Genetics
Classification: Uncertain significance for Familial thoracic aortic aneurysm and aortic dissection. Last evaluated: 2021-07-08. Review status: criteria provided, single submitter. Criteria: Ambry Variant Classification Scheme 2023. Collection method: clinical testing. Allele origin: germline.
Comment: The p.E50V variant (also known as c.149A>T), located in coding exon 1 of the SKI gene, results from an A to T substitution at nucleotide position 149. The glutamic acid at codon 50 is replaced by valine, an amino acid with dissimilar properties. This amino acid position is conserved. In addition, the in silico prediction for this alteration is inconclusive. Since supporting evidence is limited at this time, the clinical significance of this alteration remains unclear.

NM_003036.4(SKI):c.149A>T (p.Glu50Val)

Gene: SKI (SKI proto-oncogene; plus strand). Cytogenetic location: 1p36.33.
Variant type: single nucleotide variant.
Coding change: c.149A>T on transcript NM_003036.4 (MANE Select); coding-DNA position 149, A replaced by T.
Protein change: p.Glu50Val; replaces glutamic acid 50 with valine.
Molecular consequence: missense variant.
Genome position (GRCh38, 1-based): chr1:2,228,915, A>T. VCF-style: chr1-2228915-A-T. GRCh37 (hg19) VCF-style: chr1-2160354-A-T.
Other names: short protein forms E50V.
Identifiers: ClinVar variation 950393 (VCV000950393.11), dbSNP rs1158589836, ClinGen allele CA337952194.
Genomic context (GRCh38, chr1:2,228,915, plus strand): 5'-GCTCGCTGGGCGGCCCGGCCGCTTTCTCGGCGCGCTGGGCGCAGGAGGCCTACAAGAAGG[A>T]GAGCGCCAAGGAGGCGGGCGCGGCCGCGGTGCCGGCGCCGGTGCCCGCAGCCACCGAGCC-3'
Protein context (NP_003027.1, residues 40-60): ARWAQEAYKK[Glu50Val]SAKEAGAAAV